The following is an entry in ClinVar:

NM_001099289.3(SH3RF3):c.736A>G (p.Ser246Gly)

Genes: RANBP2 (RAN binding protein 2; plus strand), SH3RF3 (SH3 domain containing ring finger 3; plus strand). Cytogenetic location: 2q13.
Variant type: single nucleotide variant.
Coding change: c.736A>G on transcript NM_001099289.3 (MANE Select); coding-DNA position 736, A replaced by G.
Protein change: p.Ser246Gly; replaces serine 246 with glycine.
Molecular consequence: missense variant.
Genome position (GRCh38, 1-based): chr2:109,347,836, A>G. VCF-style: chr2-109347836-A-G. GRCh37 (hg19) VCF-style: chr2-109964292-A-G.
Other names: short protein forms S246G.
Identifiers: ClinVar variation 2247394 (VCV002247394.2), dbSNP rs1313293512, ClinGen allele CA348047479.

ClinVar aggregate classification (germline): Uncertain significance (1 of 4 stars; one submission).

gnomAD v4.1: 1 of 1,613,972 alleles (0.000062%); highest among the groups gnomAD compares: East Asian, 0.0022%; no homozygotes.

Submission:

Ambry Genetics
Classification: Uncertain significance. Last evaluated: 2021-08-30. Review status: criteria provided, single submitter. Criteria: Ambry Variant Classification Scheme 2023. Collection method: clinical testing. Allele origin: germline.
Comment: The c.736A>G (p.S246G) alteration is located in exon (coding exon ) of the SH3RF3 gene. This alteration results from a A to G substitution at nucleotide position 736, causing the serine (S) at amino acid position 246 to be replaced by a glycine (G). Based on insufficient or conflicting evidence, the clinical significance of this alteration remains unclear.